The following is an entry in ClinVar:

NM_000257.4(MYH7):c.1578+3G>A

Gene: MYH7 (myosin heavy chain 7; minus strand). Cytogenetic location: 14q11.2.
Variant type: single nucleotide variant.
Coding change: c.1578+3G>A on transcript NM_000257.4 (MANE Select); 3 bases into the intron after coding-DNA position 1578, G replaced by A.
Molecular consequence: intron variant.
Genome position (GRCh38, 1-based): chr14:23,428,497, C>T on the plus strand (G>A on the coding strand, the complement: MYH7 is on the minus strand). VCF-style: chr14-23428497-C-T. GRCh37 (hg19) VCF-style: chr14-23897706-C-T.
Other names: c.1578+3G>A (NM_001407004.1).
Identifiers: ClinVar variation 3072863 (VCV003072863.1), dbSNP rs2502299778, ClinGen allele CA2624236285.

ClinVar aggregate classification (germline): Uncertain significance (1 of 4 stars; one submission).

Conditions:
Cardiomyopathy (CMYO). Also called: Cardiomyopathies. Identifiers: Orphanet 167848, MedGen C0878544, MONDO:0004994, HP:0001638. Inheritance: Various modes of inheritance.

gnomAD v4.1: 1 of 1,614,194 alleles (0.000062%); no homozygotes.

Submission:

All of Us Research Program, National Institutes of Health
Classification: Uncertain significance for Cardiomyopathy. Last evaluated: 2023-08-15. Review status: criteria provided, single submitter. Criteria: ACMG Guidelines, 2015. Collection method: clinical testing. Allele origin: germline. Inheritance: Autosomal dominant inheritance. Observed: 1 variant allele, 1 heterozygote.
Comment: This variant causes a G to A nucleotide substitution at the +3 position of intron 15 of the MYH7 gene. To our knowledge, functional studies have not been reported for this variant. This variant has not been reported in individuals affected with MYH7-related disorders in the literature. This variant has not been identified in the general population by the Genome Aggregation Database (gnomAD). The available evidence is insufficient to determine the role of this variant in disease conclusively. Therefore, this variant is classified as a Variant of Uncertain Significance.

This study involves interpretation of variants in research participants for the purpose of population health screening. Participant phenotype was not available at the time of variant classification. Additional details can be found in publication PMID: 35346344, PMCID: PMC8962531